The following is an entry in ClinVar:

NM_000052.7(ATP7A):c.2917-13C>A

Gene: ATP7A (ATPase copper transporting alpha; plus strand). Cytogenetic location: Xq21.1.
Variant type: single nucleotide variant.
Coding change: c.2917-13C>A on transcript NM_000052.7 (MANE Select); 13 bases into the intron before coding-DNA position 2917, C replaced by A.
Molecular consequence: intron variant.
Genome position (GRCh38, 1-based): chrX:78,029,237, C>A. VCF-style: chrX-78029237-C-A. GRCh37 (hg19) VCF-style: chrX-77284734-C-A.
Other names: c.2683-13C>A (NM_001282224.2).
Identifiers: ClinVar variation 930453 (VCV000930453.6), dbSNP rs1343084607, ClinGen allele CA1139667674.
Genomic context (GRCh38, chrX:78,029,237, plus strand): 5'-AGTGTTAAGTTTTGTGTCTTTTGTTTTGTACAGCTCTAAATCAATAACCAAAATTTATGC[C>A]TTTCTTCTAAAGGGCTACAATAGAAGTATCTCCCGAACAGAAACGATAATACGATTTGCT-3'

ClinVar aggregate classification (germline): Conflicting classifications of pathogenicity. Review status: criteria provided, conflicting classifications (1 of 4 stars). 2 submissions from 2 submitters: Uncertain significance (1); Likely benign (1). Last evaluated 2024-05-13.

Conditions:
Cutis laxa, X-linked (OHS). Also called: EDS IX; Occipital horn syndrome. Identifiers: Orphanet 198, MedGen C0268353, MONDO:0010572, OMIM 304150.
X-linked distal spinal muscular atrophy type 3. Also called: SPINAL MUSCULAR ATROPHY, DISTAL, X-LINKED RECESSIVE; ATP7A-Related Distal Motor Neuropathy; NEURONOPATHY, DISTAL HEREDITARY MOTOR, X-LINKED; NEUROPATHY, DISTAL HEREDITARY MOTOR, X-LINKED. Identifiers: Orphanet 139557, MedGen C1845359, MONDO:0010338, OMIM 300489.
Menkes kinky-hair syndrome (MNK). Also called: Copper transport disease; Classic Menkes Disease; Menkes Disease. Identifiers: Orphanet 565, MedGen C0022716, MONDO:0010651, OMIM 309400.

gnomAD v4.1: 1 of 1,207,985 alleles (0.000083%); highest among the groups gnomAD compares: Non-Finnish European, 0.00011%; no homozygotes.

Submissions (2):

Labcorp Genetics (formerly Invitae), Labcorp
Classification: Likely benign for X-linked distal spinal muscular atrophy type 3; Cutis laxa, X-linked; Menkes kinky-hair syndrome. Last evaluated: 2024-05-13. Review status: criteria provided, single submitter. Criteria: Invitae Variant Classification Sherloc (09022015). Collection method: clinical testing. Allele origin: germline.

Centre for Mendelian Genomics, University Medical Centre Ljubljana
Classification: Uncertain significance for Cutis laxa, X-linked. Last evaluated: 2019-06-03. Review status: criteria provided, single submitter. Criteria: ACMG Guidelines, 2015. Collection method: clinical testing. Allele origin: unknown. Affected: yes.
Comment: This variant was classified as: Uncertain significance. The available evidence on this variant's pathogenicity is insufficient or conflicting. The following ACMG criteria were applied in classifying this variant: PM2,BP4. This variant was detected in hemizygous state.